The following is an entry in ClinVar:

ClinVar aggregate classification (germline): Uncertain significance (1 of 4 stars; one submission).

Allele frequency attached by ClinVar (database versions not stated): ExAC 0.00001; TOPMed 0.00001; gnomAD exomes 0.00002 and 0.00003.
gnomAD v4.1: 10 of 1,613,174 alleles (0.00062%); highest among the groups gnomAD compares: Admixed American, 0.015%; no homozygotes.

Submission:

Labcorp Genetics (formerly Invitae), Labcorp
Classification: Uncertain significance. Last evaluated: 2024-09-27. Review status: criteria provided, single submitter. Criteria: Invitae Variant Classification Sherloc (09022015). Collection method: clinical testing. Allele origin: germline.
Comment: This sequence change replaces methionine, which is neutral and non-polar, with valine, which is neutral and non-polar, at codon 393 of the LIG1 protein (p.Met393Val). This variant is present in population databases (rs764667785, gnomAD 0.02%). This variant has not been reported in the literature in individuals affected with LIG1-related conditions. ClinVar contains an entry for this variant (Variation ID: 1390929). An algorithm developed to predict the effect of missense changes on protein structure and function outputs the following: PolyPhen-2: "Benign". The valine amino acid residue is found in multiple mammalian species, which suggests that this missense change does not adversely affect protein function. In summary, the available evidence is currently insufficient to determine the role of this variant in disease. Therefore, it has been classified as a Variant of Uncertain Significance.

NM_000234.3(LIG1):c.1177A>G (p.Met393Val)

Gene: LIG1 (DNA ligase 1; minus strand). Cytogenetic location: 19q13.33.
Variant type: single nucleotide variant.
Coding change: c.1177A>G on transcript NM_000234.3 (MANE Select); coding-DNA position 1177, A replaced by G.
Protein change: p.Met393Val; replaces methionine 393 with valine.
Molecular consequence: missense variant. On other transcripts: non-coding transcript variant (6).
Genome position (GRCh38, 1-based): chr19:48,137,599, T>C on the plus strand (A>G on the coding strand, the complement: LIG1 is on the minus strand). VCF-style: chr19-48137599-T-C. GRCh37 (hg19) VCF-style: chr19-48640856-T-C.
Other names: c.1084A>G, p.Met362Val (NM_001289063.2); c.973A>G, p.Met325Val (NM_001289064.2); c.1174A>G, p.Met392Val (NM_001320970.2); c.1087A>G, p.Met363Val (NM_001320971.2); short protein forms M393V, M363V, M325V, M362V, M392V.
Identifiers: ClinVar variation 1390929 (VCV001390929.7), dbSNP rs764667785, ClinGen allele CA9546931.